The following is an entry in ClinVar:

ClinVar aggregate classification (germline): Uncertain significance (1 of 4 stars; one submission).

Submission:

GeneDx
Classification: Uncertain significance. Last evaluated: 2024-07-30. Review status: criteria provided, single submitter. Criteria: GeneDx Variant Classification Process June 2021. Collection method: clinical testing. Allele origin: germline. Affected: yes.
Comment: Not observed at significant frequency in large population cohorts (gnomAD); In silico analysis supports that this missense variant has a deleterious effect on protein structure/function; Has not been previously published as pathogenic or benign to our knowledge

NM_000748.3(CHRNB2):c.1368G>A (p.Met456Ile)

Gene: CHRNB2 (cholinergic receptor nicotinic beta 2 subunit; plus strand). Cytogenetic location: 1q21.3.
Variant type: single nucleotide variant.
Coding change: c.1368G>A on transcript NM_000748.3 (MANE Select); coding-DNA position 1368, G replaced by A.
Protein change: p.Met456Ile; replaces methionine 456 with isoleucine.
Molecular consequence: missense variant.
Genome position (GRCh38, 1-based): chr1:154,575,791, G>A. VCF-style: chr1-154575791-G-A. GRCh37 (hg19) VCF-style: chr1-154548267-G-A.
Other names: short protein forms M456I.
Identifiers: ClinVar variation 3602439 (VCV003602439.1).